The following is an entry in ClinVar:

NM_020547.3(AMHR2):c.1034G>A (p.Gly345Glu)

Gene: AMHR2 (anti-Mullerian hormone receptor type 2; plus strand). Cytogenetic location: 12q13.13.
Variant type: single nucleotide variant.
Coding change: c.1034G>A on transcript NM_020547.3 (MANE Select); coding-DNA position 1034, G replaced by A.
Protein change: p.Gly345Glu; replaces glycine 345 with glutamic acid.
Molecular consequence: missense variant.
Genome position (GRCh38, 1-based): chr12:53,429,519, G>A. VCF-style: chr12-53429519-G-A. GRCh37 (hg19) VCF-style: chr12-53823303-G-A.
Other names: c.1034G>A, p.Gly345Glu (NM_001164690.2, NM_001164691.2); short protein forms G345E.
Identifiers: ClinVar variation 3717113 (VCV003717113.2).

ClinVar aggregate classification (germline): Uncertain significance (1 of 4 stars; one submission).

gnomAD v4.1: 1 of 1,613,620 alleles (0.000062%); no homozygotes.

Submission:

Labcorp Genetics (formerly Invitae), Labcorp
Classification: Uncertain significance. Last evaluated: 2024-09-14. Review status: criteria provided, single submitter. Criteria: Invitae Variant Classification Sherloc (09022015). Collection method: clinical testing. Allele origin: germline.
Comment: This sequence change replaces glycine, which is neutral and non-polar, with glutamic acid, which is acidic and polar, at codon 345 of the AMHR2 protein (p.Gly345Glu). This variant is not present in population databases (gnomAD no frequency). This missense change has been observed in individual(s) with clinical features of AMHR2-related conditions (internal data). Invitae Evidence Modeling of protein sequence and biophysical properties (such as structural, functional, and spatial information, amino acid conservation, physicochemical variation, residue mobility, and thermodynamic stability) indicates that this missense variant is not expected to disrupt AMHR2 protein function with a negative predictive value of 80%. This variant disrupts the p.Gly345 amino acid residue in AMHR2. Other variant(s) that disrupt this residue have been observed in individuals with AMHR2-related conditions (PMID: 28528332), which suggests that this may be a clinically significant amino acid residue. In summary, the available evidence is currently insufficient to determine the role of this variant in disease. Therefore, it has been classified as a Variant of Uncertain Significance.

Literature cited by the submitters: PubMed 28528332.